The following is an entry in ClinVar:

ClinVar aggregate classification (germline): Likely benign (0 of 4 stars; one submission).

Conditions:
SEC23IP-related disorder. Also called: SEC23IP-related condition.

Allele frequency attached by ClinVar (database versions not stated): ExAC 0.00002; gnomAD 0.00003; TOPMed 0.00006; 1000 Genomes Project 0.00040; 1000 Genomes Project 30x 0.00047.
gnomAD v4.1: 27 of 1,614,192 alleles (0.0017%); highest among the groups gnomAD compares: African/African-American, 0.032%; no homozygotes.

Submission:

PreventionGenetics, part of Exact Sciences
Classification: Likely benign for SEC23IP-related condition. Last evaluated: 2019-12-26. Review status: no assertion criteria provided. Collection method: clinical testing. Allele origin: germline.
Comment: This variant is classified as likely benign based on ACMG/AMP sequence variant interpretation guidelines (Richards et al. 2015 PMID: 25741868, with internal and published modifications).

NM_007190.4(SEC23IP):c.342C>T (p.Pro114=)

Gene: SEC23IP (SEC23 interacting protein; plus strand). Cytogenetic location: 10q26.11.
Variant type: single nucleotide variant.
Coding change: c.342C>T on transcript NM_007190.4 (MANE Select); coding-DNA position 342, C replaced by T.
Protein change: p.Pro114=; no amino-acid change (proline 114 retained).
Molecular consequence: synonymous variant.
Genome position (GRCh38, 1-based): chr10:119,898,605, C>T. VCF-style: chr10-119898605-C-T. GRCh37 (hg19) VCF-style: chr10-121658117-C-T.
Other names: c.342C>T, p.Pro114= (NM_001411070.1).
Identifiers: ClinVar variation 3036226 (VCV003036226.2), dbSNP rs187525199, ClinGen allele CA5718239.